The following is an entry in ClinVar:

ClinVar aggregate classification (germline): Uncertain significance (1 of 4 stars; one submission).

Conditions:
Early-onset Lafora body disease. Also called: Epilepsy, progressive myoclonic, 10. Identifiers: Orphanet 324290, MedGen C4225258, MONDO:0014717, OMIM 616640.

Allele frequency attached by ClinVar (database versions not stated): gnomAD exomes 0.00001 and 0.00008; ExAC 0.00004; gnomAD 0.00004 and 0.00005; TOPMed 0.00005; 1000 Genomes Project 0.00020; 1000 Genomes Project 30x 0.00031.
gnomAD v4.1: 26 of 1,613,086 alleles (0.0016%); highest among the groups gnomAD compares: East Asian, 0.058%; no homozygotes.

Submission:

Labcorp Genetics (formerly Invitae), Labcorp
Classification: Uncertain significance for Early-onset Lafora body disease. Last evaluated: 2022-09-06. Review status: criteria provided, single submitter. Criteria: Invitae Variant Classification Sherloc (09022015). Collection method: clinical testing. Allele origin: germline.
Comment: In summary, the available evidence is currently insufficient to determine the role of this variant in disease. Therefore, it has been classified as a Variant of Uncertain Significance. Algorithms developed to predict the effect of missense changes on protein structure and function (SIFT, PolyPhen-2, Align-GVGD) all suggest that this variant is likely to be tolerated. ClinVar contains an entry for this variant (Variation ID: 969498). This variant has not been reported in the literature in individuals affected with PRDM8-related conditions. This variant is present in population databases (rs190431626, gnomAD 0.1%). This sequence change replaces threonine, which is neutral and polar, with alanine, which is neutral and non-polar, at codon 4 of the PRDM8 protein (p.Thr4Ala).

NM_001099403.2(PRDM8):c.10A>G (p.Thr4Ala)

Gene: PRDM8 (PR/SET domain 8; plus strand). Cytogenetic location: 4q21.21.
Variant type: single nucleotide variant.
Coding change: c.10A>G on transcript NM_001099403.2 (MANE Select); coding-DNA position 10, A replaced by G.
Protein change: p.Thr4Ala; replaces threonine 4 with alanine.
Molecular consequence: missense variant.
Genome position (GRCh38, 1-based): chr4:80,200,090, A>G. VCF-style: chr4-80200090-A-G. GRCh37 (hg19) VCF-style: chr4-81121244-A-G.
Other names: c.10A>G, p.Thr4Ala (NM_020226.4); short protein forms T4A.
Identifiers: ClinVar variation 969498 (VCV000969498.7), dbSNP rs190431626, ClinGen allele CA2982106.